The following is an entry in ClinVar:

NM_001079.4(ZAP70):c.105G>A (p.Leu35=)

Gene: ZAP70 (zeta chain of T cell receptor associated protein kinase 70; plus strand). Cytogenetic location: 2q11.2.
Variant type: single nucleotide variant.
Coding change: c.105G>A on transcript NM_001079.4 (MANE Select); coding-DNA position 105, G replaced by A.
Protein change: p.Leu35=; no amino-acid change (leucine 35 retained).
Molecular consequence: synonymous variant.
Genome position (GRCh38, 1-based): chr2:97,724,141, G>A. VCF-style: chr2-97724141-G-A. GRCh37 (hg19) VCF-style: chr2-98340604-G-A.
Other names: p.Leu35=; c.105G>A, p.Leu35= (NM_001378594.1).
Identifiers: ClinVar variation 337626 (VCV000337626.16), dbSNP rs56127120, ClinGen allele CA1790018.

ClinVar aggregate classification (germline): Benign. Review status: criteria provided, multiple submitters, no conflicts (2 of 4 stars). 5 submissions from 5 submitters: Benign (5). Last evaluated 2026-02-02.

Conditions:
Combined immunodeficiency due to ZAP70 deficiency (IMD48). Also called: ZAP70 Deficiency; Immunodeficiency 48. Identifiers: Orphanet 911, MedGen C2931299, MONDO:0010023, OMIM 269840.

Allele frequency attached by ClinVar (database versions not stated): TOPMed 0.00263; gnomAD exomes 0.00671 and 0.00350; ExAC 0.01137; gnomAD 0.00451 and 0.00353; ESP Exome Variant Server 0.00070; 1000 Genomes Project 30x 0.01624; 1000 Genomes Project 0.01797.
gnomAD v4.1: 5,827 of 1,569,446 alleles (0.37%); highest among the groups gnomAD compares: East Asian, 8.2%; 172 homozygotes.

Submissions (5):

Labcorp Genetics (formerly Invitae), Labcorp
Classification: Benign for Combined immunodeficiency due to ZAP70 deficiency. Last evaluated: 2026-02-02. Review status: criteria provided, single submitter. Criteria: Invitae Variant Classification Sherloc (09022015). Collection method: clinical testing. Allele origin: germline.

Mayo Clinic Laboratories, Mayo Clinic
Classification: Benign. Last evaluated: 2020-01-09. Review status: criteria provided, single submitter. Criteria: ACMG Guidelines, 2015. Collection method: clinical testing. Allele origin: germline. Observed: 5 variant alleles.

Illumina Laboratory Services, Illumina
Classification: Benign for Combined immunodeficiency due to ZAP70 deficiency. Last evaluated: 2018-01-13. Review status: criteria provided, single submitter. Criteria: ICSL Variant Classification Criteria 13 December 2019. Collection method: clinical testing. Allele origin: germline.
Comment: This variant was observed in the ICSL laboratory as part of a predisposition screen in an ostensibly healthy population. It had not been previously curated by ICSL or reported in the Human Gene Mutation Database (HGMD: prior to June 1st, 2018), and was therefore a candidate for classification through an automated scoring system. Utilizing variant allele frequency, disease prevalence and penetrance estimates, and inheritance mode, an automated score was calculated to assess if this variant is too frequent to cause the disease. Based on the score and internal cut-off values, a variant classified as benign is not then subjected to further curation. The score for this variant resulted in a classification of benign for this disease.

GeneDx
Classification: Benign. Last evaluated: 2017-03-04. Review status: criteria provided, single submitter. Criteria: GeneDx Variant Classification (06012015). Collection method: clinical testing. Allele origin: germline. Affected: yes.
Comment: This variant is considered likely benign or benign based on one or more of the following criteria: it is a conservative change, it occurs at a poorly conserved position in the protein, it is predicted to be benign by multiple in silico algorithms, and/or has population frequency not consistent with disease.

Breakthrough Genomics
Classification: Benign. Review status: criteria provided, single submitter. Criteria: ACMG Guidelines, 2015. Collection method: not provided. Allele origin: germline. Inheritance: Autosomal recessive inheritance. Affected: yes.